The following is an entry in ClinVar:

ClinVar aggregate classification (germline): Uncertain significance (1 of 4 stars; one submission).

Conditions:
Familial thoracic aortic aneurysm and aortic dissection (TAAD). Also called: Thoracic aortic aneurysms and dissections. Identifiers: Orphanet 91387, MedGen C4707243, MONDO:0019625.

Submission:

Ambry Genetics
Classification: Uncertain significance for Familial thoracic aortic aneurysm and aortic dissection. Last evaluated: 2019-11-26. Review status: criteria provided, single submitter. Criteria: Ambry Variant Classification Scheme 2023. Collection method: clinical testing. Allele origin: germline.
Comment: The p.A264V variant (also known as c.791C>T), located in coding exon 4 of the TGFBR1 gene, results from a C to T substitution at nucleotide position 791. The alanine at codon 264 is replaced by valine, an amino acid with similar properties. This amino acid position is highly conserved in available vertebrate species. In addition, this alteration is predicted to be deleterious by in silico analysis. Since supporting evidence is limited at this time, the clinical significance of this alteration remains unclear.

NM_004612.4(TGFBR1):c.791C>T (p.Ala264Val)

Gene: TGFBR1 (transforming growth factor beta receptor 1; plus strand). Cytogenetic location: 9q22.33.
Variant type: single nucleotide variant.
Coding change: c.791C>T on transcript NM_004612.4 (MANE Select); coding-DNA position 791, C replaced by T.
Protein change: p.Ala264Val; replaces alanine 264 with valine.
Molecular consequence: missense variant.
Genome position (GRCh38, 1-based): chr9:99,138,075, C>T. VCF-style: chr9-99138075-C-T. GRCh37 (hg19) VCF-style: chr9-101900357-C-T.
Other names: c.560C>T, p.Ala187Val (NM_001130916.3); c.803C>T, p.Ala268Val (NM_001306210.2, NM_001407416.1); c.791C>T, p.Ala264Val (NM_001407417.1); c.596C>T, p.Ala199Val (NM_001407418.1, NM_001407419.1, NM_001407420.1 and 1 more transcripts); c.584C>T, p.Ala195Val (NM_001407423.1, NM_001407424.1, NM_001407425.1 and 8 more transcripts); c.545C>T, p.Ala182Val (NM_001407436.1); c.314C>T, p.Ala105Val (NM_001407438.1); short protein forms A187V, A264V, A105V, A182V, A195V, A199V, A268V.
Identifiers: ClinVar variation 1761220 (VCV001761220.2), dbSNP rs2118723350, ClinGen allele CA374230327.
Genomic context (GRCh38, chr9:99,138,075, plus strand): 5'-GTGAGGCAGAGATTTATCAAACTGTAATGTTACGTCATGAAAACATCCTGGGATTTATAG[C>T]AGCAGACAATAAAGGTCTGTAACATTTGCTTTTCCTTATGTTATATATAACAAGATCTCT-3'
Protein context (NP_004603.1, residues 254-274): LRHENILGFI[Ala264Val]ADNKDNGTWT